The following is an entry in ClinVar:

ClinVar aggregate classification (germline): Uncertain significance (1 of 4 stars; one submission).

Conditions:
MED12-Related Disorders. Also called: MED12-related condition; MED12-related disorder. Identifiers: MedGen CN381102.

Submission:

PreventionGenetics, part of Exact Sciences
Classification: Uncertain significance for MED12-related condition. Last evaluated: 2023-06-30. Review status: criteria provided, single submitter. Criteria: ACMG Guidelines, 2015. Collection method: clinical testing. Allele origin: germline.
Comment: The MED12 c.5C>T variant is predicted to result in the amino acid substitution p.Ala2Val. To our knowledge, this variant has not been reported in the literature or in a large population database, indicating this variant is rare. At this time, the clinical significance of this variant is uncertain due to the absence of conclusive functional and genetic evidence.

NM_005120.3(MED12):c.5C>T (p.Ala2Val)

Gene: MED12 (mediator complex subunit 12; plus strand). Cytogenetic location: Xq13.1.
Variant type: single nucleotide variant.
Coding change: c.5C>T on transcript NM_005120.3 (MANE Select); coding-DNA position 5, C replaced by T.
Protein change: p.Ala2Val; replaces alanine 2 with valine.
Molecular consequence: missense variant.
Genome position (GRCh38, 1-based): chrX:71,118,759, C>T. VCF-style: chrX-71118759-C-T. GRCh37 (hg19) VCF-style: chrX-70338609-C-T.
Other names: short protein forms A2V.
Identifiers: ClinVar variation 2632239 (VCV002632239.1), dbSNP rs866295169, ClinGen allele CA330974378.